The following is an entry in ClinVar:

ClinVar aggregate classification (germline): Benign/Likely benign. Review status: criteria provided, multiple submitters, no conflicts (2 of 4 stars). 6 submissions from 6 submitters: Benign (1); Likely benign (5). Last evaluated 2025-08-03.

Conditions:
Hereditary cancer-predisposing syndrome. Also called: Hereditary neoplastic syndrome; Neoplastic Syndromes, Hereditary; Tumor predisposition; Hereditary Cancer Syndrome. Identifiers: Orphanet 140162, MedGen C0027672, MeSH D009386, MONDO:0015356.
Familial cancer of breast. Also called: BREAST CANCER, FAMILIAL; Hereditary breast cancer; hereditary breast carcinoma. Identifiers: Orphanet 227535, MedGen C0346153, MONDO:0016419, OMIM 114480. Disease mechanism: loss of function.

gnomAD v4.1: 1 of 1,614,150 alleles (0.000062%); highest among the groups gnomAD compares: South Asian, 0.0011%; no homozygotes.

Submissions (6):

Labcorp Genetics (formerly Invitae), Labcorp
Classification: Likely benign for Familial cancer of breast. Last evaluated: 2025-08-03. Review status: criteria provided, single submitter. Criteria: Invitae Variant Classification Sherloc (09022015). Collection method: clinical testing. Allele origin: germline.

Myriad Genetics, Inc.
Classification: Benign for Familial cancer of breast. Last evaluated: 2025-01-13. Review status: criteria provided, single submitter. Criteria: Myriad Autosomal Dominant, Autosomal Recessive and X-Linked Classification Criteria (2023). Collection method: clinical testing. Allele origin: unknown.
Comment: This variant is considered benign. This variant is a silent/synonymous amino acid change and it is not expected to impact splicing.

Women's Health and Genetics/Laboratory Corporation of America, LabCorp
Classification: Likely benign. Last evaluated: 2022-04-01. Review status: criteria provided, single submitter. Criteria: LabCorp Variant Classification Summary - May 2015. Collection method: clinical testing. Allele origin: germline.

Color Diagnostics, LLC DBA Color Health
Classification: Likely benign for Hereditary cancer-predisposing syndrome. Last evaluated: 2016-12-19. Review status: criteria provided, single submitter. Criteria: ACMG Guidelines, 2015. Collection method: clinical testing. Allele origin: germline.

Ambry Genetics
Classification: Likely benign for Hereditary cancer-predisposing syndrome. Last evaluated: 2016-12-06. Review status: criteria provided, single submitter. Criteria: Ambry Variant Classification Scheme 2023. Collection method: clinical testing. Allele origin: germline.

GeneDx
Classification: Likely benign. Last evaluated: 2016-05-11. Review status: criteria provided, single submitter. Criteria: GeneDx Variant Classification (06012015). Collection method: clinical testing. Allele origin: germline. Affected: yes.
Comment: This variant is considered likely benign or benign based on one or more of the following criteria: it is a conservative change, it occurs at a poorly conserved position in the protein, it is predicted to be benign by multiple in silico algorithms, and/or has population frequency not consistent with disease.

NM_024675.4(PALB2):c.1093A>C (p.Arg365=)

Gene: PALB2 (partner and localizer of BRCA2; minus strand). Cytogenetic location: 16p12.2.
Variant type: single nucleotide variant.
Coding change: c.1093A>C on transcript NM_024675.4 (MANE Select); coding-DNA position 1093, A replaced by C.
Protein change: p.Arg365=; no amino-acid change (arginine 365 retained).
Molecular consequence: synonymous variant.
Genome position (GRCh38, 1-based): chr16:23,635,453, T>G on the plus strand (A>C on the coding strand, the complement: PALB2 is on the minus strand). VCF-style: chr16-23635453-T-G. GRCh37 (hg19) VCF-style: chr16-23646774-T-G.
Identifiers: ClinVar variation 215926 (VCV000215926.20), dbSNP rs773001248, ClinGen allele CA338388.